The following is an entry in ClinVar:

ClinVar aggregate classification (germline): Likely benign. Review status: criteria provided, single submitter (1 of 4 stars). 2 submissions from 2 submitters: Likely benign (1). 1 of the submissions does not count toward it. Last evaluated 2023-08-11.

Conditions:
COL4A2-related disorder. Also called: COL4A2-related disorders; COL4A2-related condition.

Submissions (2):

Labcorp Genetics (formerly Invitae), Labcorp
Classification: Likely benign. Last evaluated: 2023-08-11. Review status: criteria provided, single submitter. Criteria: Invitae Variant Classification Sherloc (09022015). Collection method: clinical testing. Allele origin: germline.

PreventionGenetics, part of Exact Sciences
Classification: Likely benign for COL4A2-related condition. Last evaluated: 2019-09-10. Review status: no assertion criteria provided. Collection method: clinical testing. Allele origin: germline. Not counted in ClinVar's aggregate classification.
Comment: This variant is classified as likely benign based on ACMG/AMP sequence variant interpretation guidelines (Richards et al. 2015 PMID: 25741868, with internal and published modifications).

NM_001846.4(COL4A2):c.3207+9del

Gene: COL4A2 (collagen type IV alpha 2 chain; plus strand). Cytogenetic location: 13q34.
Variant type: Deletion.
Coding change: c.3207+9del on transcript NM_001846.4 (MANE Select); 9 bases into the intron after coding-DNA position 3207, one base deleted (G; older notation c.3207+9delG).
Molecular consequence: intron variant.
Genome position (GRCh38, 1-based): chr13:110,485,845, G deleted; the last of 3 consecutive G bases (chr13:110,485,843-110,485,845); deleting any one gives the same sequence. VCF-style (leftmost placement, unchanged base first): chr13-110485842-TG-T. GRCh37 (hg19) VCF-style: chr13-111138189-TG-T.
Other names: c.3207+9delG (NM_001846.3).
Identifiers: ClinVar variation 2988528 (VCV002988528.5), dbSNP rs1365329636, ClinGen allele CA612866835.